The following is an entry in ClinVar:

ClinVar aggregate classification (germline): Uncertain significance (1 of 4 stars; one submission).

Conditions:
Gorlin syndrome. Also called: Nevoid Basal Cell Carcinoma Syndrome; Basal cell nevus syndrome. Identifiers: Orphanet 377, MedGen C0004779, MONDO:0007187.

gnomAD v4.1: 9 of 1,614,212 alleles (0.00056%); highest among the groups gnomAD compares: African/African-American, 0.0067%; no homozygotes.

Submission:

Labcorp Genetics (formerly Invitae), Labcorp
Classification: Uncertain significance for Gorlin syndrome. Last evaluated: 2025-12-08. Review status: criteria provided, single submitter. Criteria: Invitae Variant Classification Sherloc (09022015). Collection method: clinical testing. Allele origin: germline.
Comment: This sequence change replaces glutamic acid, which is acidic and polar, with lysine, which is basic and polar, at codon 330 of the PTCH2 protein (p.Glu330Lys). This variant is present in population databases (rs530841790, gnomAD 0.01%). This variant has not been reported in the literature in individuals affected with PTCH2-related conditions. Invitae Evidence Modeling of protein sequence and biophysical properties (such as structural, functional, and spatial information, amino acid conservation, physicochemical variation, residue mobility, and thermodynamic stability) indicates that this missense variant is not expected to disrupt PTCH2 protein function with a negative predictive value of 80%. In summary, the available evidence is currently insufficient to determine the role of this variant in disease. Therefore, it has been classified as a Variant of Uncertain Significance.

NM_003738.5(PTCH2):c.988G>A (p.Glu330Lys)

Gene: PTCH2 (patched 2; minus strand). Cytogenetic location: 1p34.1.
Variant type: single nucleotide variant.
Coding change: c.988G>A on transcript NM_003738.5 (MANE Select); coding-DNA position 988, G replaced by A.
Protein change: p.Glu330Lys; replaces glutamic acid 330 with lysine.
Molecular consequence: missense variant.
Genome position (GRCh38, 1-based): chr1:44,829,709, C>T on the plus strand (G>A on the coding strand, the complement: PTCH2 is on the minus strand). VCF-style: chr1-44829709-C-T. GRCh37 (hg19) VCF-style: chr1-45295381-C-T.
Other names: c.988G>A, p.Glu330Lys (NM_001166292.2); short protein forms E330K.
Identifiers: ClinVar variation 4700278 (VCV004700278.1).